The following is an entry in ClinVar:

ClinVar aggregate classification (germline): Uncertain significance (1 of 4 stars; one submission).

Allele frequency attached by ClinVar (database versions not stated): gnomAD exomes below 0.00001; TOPMed below 0.00001; ExAC 0.00001; gnomAD 0.00001.
gnomAD v4.1: 1 of 1,614,064 alleles (0.000062%); highest among the groups gnomAD compares: Non-Finnish European, 0.000085%; no homozygotes.

Submission:

Labcorp Genetics (formerly Invitae), Labcorp
Classification: Uncertain significance. Last evaluated: 2024-01-29. Review status: criteria provided, single submitter. Criteria: Invitae Variant Classification Sherloc (09022015). Collection method: clinical testing. Allele origin: germline.
Comment: This sequence change replaces proline, which is neutral and non-polar, with serine, which is neutral and polar, at codon 2879 of the COL7A1 protein (p.Pro2879Ser). This variant is not present in population databases (gnomAD no frequency). This variant has not been reported in the literature in individuals affected with COL7A1-related conditions. ClinVar contains an entry for this variant (Variation ID: 1062028). Advanced modeling of protein sequence and biophysical properties (such as structural, functional, and spatial information, amino acid conservation, physicochemical variation, residue mobility, and thermodynamic stability) performed at Invitae indicates that this missense variant is not expected to disrupt COL7A1 protein function with a negative predictive value of 95%. In summary, the available evidence is currently insufficient to determine the role of this variant in disease. Therefore, it has been classified as a Variant of Uncertain Significance.

NM_000094.4(COL7A1):c.8635C>T (p.Pro2879Ser)

Gene: COL7A1 (collagen type VII alpha 1 chain; minus strand). Cytogenetic location: 3p21.31.
Variant type: single nucleotide variant.
Coding change: c.8635C>T on transcript NM_000094.4 (MANE Select); coding-DNA position 8635, C replaced by T.
Protein change: p.Pro2879Ser; replaces proline 2879 with serine.
Molecular consequence: missense variant.
Genome position (GRCh38, 1-based): chr3:48,564,966, G>A on the plus strand (C>T on the coding strand, the complement: COL7A1 is on the minus strand). VCF-style: chr3-48564966-G-A. GRCh37 (hg19) VCF-style: chr3-48602399-G-A.
Other names: short protein forms P2879S.
Identifiers: ClinVar variation 1062028 (VCV001062028.4), dbSNP rs771286848, ClinGen allele CA2377904.